The following is an entry in ClinVar:

NM_003482.4(KMT2D):c.16079T>A (p.Met5360Lys)

Gene: KMT2D (lysine methyltransferase 2D; minus strand). Cytogenetic location: 12q13.12.
Variant type: single nucleotide variant.
Coding change: c.16079T>A on transcript NM_003482.4 (MANE Select); coding-DNA position 16079, T replaced by A.
Protein change: p.Met5360Lys; replaces methionine 5360 with lysine.
Molecular consequence: missense variant.
Genome position (GRCh38, 1-based): chr12:49,022,849, A>T on the plus strand (T>A on the coding strand, the complement: KMT2D is on the minus strand). VCF-style: chr12-49022849-A-T. GRCh37 (hg19) VCF-style: chr12-49416632-A-T.
Other names: short protein forms M5360K.
Identifiers: ClinVar variation 3635083 (VCV003635083.2).

ClinVar aggregate classification (germline): Uncertain significance (1 of 4 stars; one submission).

Conditions:
Kabuki syndrome. Also called: NIIKAWA-KUROKI SYNDROME; Kabuki make-up syndrome. Identifiers: Orphanet 2322, MedGen C0796004, MONDO:0016512.

Submission:

Labcorp Genetics (formerly Invitae), Labcorp
Classification: Uncertain significance for Kabuki syndrome. Last evaluated: 2024-06-23. Review status: criteria provided, single submitter. Criteria: Invitae Variant Classification Sherloc (09022015). Collection method: clinical testing. Allele origin: germline.
Comment: This sequence change replaces methionine, which is neutral and non-polar, with lysine, which is basic and polar, at codon 5360 of the KMT2D protein (p.Met5360Lys). This variant is not present in population databases (gnomAD no frequency). This variant has not been reported in the literature in individuals affected with KMT2D-related conditions. Advanced modeling of protein sequence and biophysical properties (such as structural, functional, and spatial information, amino acid conservation, physicochemical variation, residue mobility, and thermodynamic stability) performed at Invitae indicates that this missense variant is not expected to disrupt KMT2D protein function with a negative predictive value of 95%. In summary, the available evidence is currently insufficient to determine the role of this variant in disease. Therefore, it has been classified as a Variant of Uncertain Significance.